The following is an entry in ClinVar:

ClinVar aggregate classification (germline): Conflicting classifications of pathogenicity. Review status: criteria provided, conflicting classifications (1 of 4 stars). 6 submissions from 6 submitters: Uncertain significance (1); Benign (2); Likely benign (1). 2 of the submissions do not count toward it. Last evaluated 2024-07-15.

Conditions:
KCNH2-related disorder. Also called: KCNH2-related disorders; KCNH2-related condition.
Cardiac arrhythmia. Also called: Arrhythmia; Cardiac rhythm disease. Identifiers: MedGen C0003811, MONDO:0007263, HP:0011675.

Allele frequency attached by ClinVar (database versions not stated): ExAC 0.00028; ESP Exome Variant Server 0.00045; 1000 Genomes Project 30x 0.00078; 1000 Genomes Project 0.00080; gnomAD 0.00080 and 0.00082; TOPMed 0.00083.
gnomAD v4.1: 266 of 1,553,936 alleles (0.017%); highest among the groups gnomAD compares: African/African-American, 0.27%; 1 homozygote.

Submissions (6):

Blueprint Genetics
Classification: Uncertain significance. Last evaluated: 2024-07-15. Review status: criteria provided, single submitter. Criteria: ACMG Guidelines, 2015. Collection method: clinical testing. Allele origin: germline.

Color Diagnostics, LLC DBA Color Health
Classification: Benign for Arrhythmia. Last evaluated: 2018-10-16. Review status: criteria provided, single submitter. Criteria: ACMG Guidelines, 2015. Collection method: clinical testing. Allele origin: germline.

GeneDx
Classification: Benign. Last evaluated: 2015-03-03. Review status: criteria provided, single submitter. Criteria: GeneDx Variant Classification Process June 2021. Collection method: clinical testing. Allele origin: germline. Affected: yes.

Biesecker Lab/Clinical Genomics Section, National Institutes of Health
Classification: Likely benign. Last evaluated: 2013-06-24. Review status: criteria provided, single submitter. Criteria: Ng et al. (Circ Cardiovasc Genet. 2013). Collection method: research. Allele origin: unknown. Observed: 1 variant allele. Study: ClinSeq.
Comment: The study set was not selected for affection status in relation to any cancer. Pathogenicity categories were based on literature curation. See Pubmed ID:23861362 for details.

Medical sequencing

PreventionGenetics, part of Exact Sciences
Classification: Likely benign for KCNH2-related condition. Last evaluated: 2021-11-10. Review status: no assertion criteria provided. Collection method: clinical testing. Allele origin: germline. Not counted in ClinVar's aggregate classification.
Comment: This variant is classified as likely benign based on ACMG/AMP sequence variant interpretation guidelines (Richards et al. 2015 PMID: 25741868, with internal and published modifications).

Department of Pathology and Laboratory Medicine, Sinai Health System
Classification: Likely benign. Review status: no assertion criteria provided. Collection method: clinical testing. Allele origin: unknown. Affected: yes. Study: The Canadian Open Genetics Repository (COGR). Not counted in ClinVar's aggregate classification.
Comment: The KCNH2 p.Thr859Met variant was not identified in the literature nor was it identified in LOVD 3.0. The variant was identified in dbSNP (ID: rs41314366) and ClinVar (classified as benign by Color and likely benign by Biesecker Lab/Clinical Genomics Section, National Institutes of Health). The variant was identified in control databases in 54 of 193350 chromosomes at a frequency of 0.0002793 (Genome Aggregation Database March 6, 2019, v2.1.1). The variant was observed in the following populations: African in 51 of 17166 chromosomes (freq: 0.002971), East Asian in 1 of 12840 chromosomes (freq: 0.000078), South Asian in 1 of 23808 chromosomes (freq: 0.000042) and Latino in 1 of 25940 chromosomes (freq: 0.000039), but was not observed in the Ashkenazi Jewish, European (Finnish), European (non-Finnish), and Other populations. The p.Thr859 residue is not conserved in mammals and computational analyses (PolyPhen-2, SIFT, AlignGVGD, BLOSUM, MutationTaster) provide inconsistent predictions regarding the impact to the protein; this information is not very predictive of pathogenicity. The variant occurs outside of the splicing consensus sequence and in silico or computational prediction software programs (SpliceSiteFinder, MaxEntScan, NNSPLICE, GeneSplicer) do not predict a difference in splicing. In summary, based on the above information the clinical significance of this variant cannot be determined with certainty at this time although we would lean towards a more benign role for this variant. This variant is classified as likely benign.

NM_000238.4(KCNH2):c.2398+178C>T

Gene: KCNH2 (potassium voltage-gated channel subfamily H member 2; minus strand). Cytogenetic location: 7q36.1.
Variant type: single nucleotide variant.
Coding change: c.2398+178C>T on transcript NM_000238.4 (MANE Select); 178 bases into the intron after coding-DNA position 2398, C replaced by T.
Molecular consequence: intron variant. On other transcripts: missense variant (5).
Genome position (GRCh38, 1-based): chr7:150,949,990, G>A on the plus strand (C>T on the coding strand, the complement: KCNH2 is on the minus strand). VCF-style: chr7-150949990-G-A. GRCh37 (hg19) VCF-style: chr7-150647078-G-A.
Other names: c.1556C>T, p.Thr519Met (NM_001204798.2); c.2399C>T, p.Thr800Met (NM_001406755.1); c.2288C>T, p.Thr763Met (NM_001406756.1); c.2276C>T, p.Thr759Met (NM_001406757.1); c.2576C>T, p.Thr859Met (NM_172056.3); c.1378+178C>T (NM_172057.3); c.1556C>T (NM_001204798.1); short protein forms T859M, T519M, T759M, T763M, T800M.
Identifiers: ClinVar variation 191542 (VCV000191542.12), dbSNP rs41314366, ClinGen allele CA006622.